The following is an entry in ClinVar:

ClinVar aggregate classification (germline): Conflicting classifications of pathogenicity. Review status: criteria provided, conflicting classifications (1 of 4 stars). 5 submissions from 5 submitters: Likely pathogenic (1); Uncertain significance (2); Likely benign (2). Last evaluated 2024-03-01.

Conditions:
RYR1-related myopathy. Identifiers: Orphanet 98742, MedGen CN305348, MONDO:0100150.
RYR1-related disorder. Also called: RYR1-related condition; RYR1-related disorders. Identifiers: MedGen CN239331.
Malignant hyperthermia, susceptibility to, 1 (MHS1). Also called: Malignant hyperthermia suceptibility 1; RYR1-Related Malignant Hyperthermia Susceptibility; Anesthesia related hyperthermia; Malignant hyperpyrexia; Fulminating hyperpyrexia; Pharmacogenic myopathy. Identifiers: Orphanet 423, MedGen C2930980, MONDO:0007783, OMIM 145600.

Allele frequency attached by ClinVar (database versions not stated): gnomAD exomes below 0.00001 and 0.00001; ExAC 0.00001; gnomAD 0.00001; TOPMed 0.00001.
gnomAD v4.1: 6 of 1,613,152 alleles (0.00037%); highest among the groups gnomAD compares: Non-Finnish European, 0.00042%; no homozygotes.

Submissions (5):

Muscle and Diseases Team, Institut de Génétique et Biologie Moléculaire et Cellulaire
Classification: Likely pathogenic for RYR1-related myopathy. Last evaluated: 2024-03-01. Review status: criteria provided, single submitter. Criteria: ACMG Guidelines, 2015. Collection method: research. Allele origin: unknown. Affected: yes. Observed: 1 variant allele.
Comment: PM3_Strong+PM2

Labcorp Genetics (formerly Invitae), Labcorp
Classification: Likely benign for RYR1-related disorder. Last evaluated: 2024-01-06. Review status: criteria provided, single submitter. Criteria: Invitae Variant Classification Sherloc (09022015). Collection method: clinical testing. Allele origin: germline.

All of Us Research Program, National Institutes of Health
Classification: Uncertain significance for Malignant hyperthermia, susceptibility to, 1. Last evaluated: 2023-11-20. Review status: criteria provided, single submitter. Criteria: ACMG Guidelines, 2015. Collection method: clinical testing. Allele origin: germline. Inheritance: Autosomal dominant inheritance. Observed: 1 variant allele, 1 heterozygote.
Comment: This synonymous variant is located in the RYR1 gene. To our knowledge, functional studies have not been reported for this variant. This variant has not been reported in individuals affected with RYR1-related disorders in the literature. This variant has been identified in 3/249406 chromosomes in the general population by the Genome Aggregation Database (gnomAD). The available evidence is insufficient to determine the role of this variant in disease conclusively. Therefore, this variant is classified as a Variant of Uncertain Significance.

This study involves interpretation of variants in research participants for the purpose of population health screening. Participant phenotype was not available at the time of variant classification. Additional details can be found in publication PMID: 35346344, PMCID: PMC8962531

Color Diagnostics, LLC DBA Color Health
Classification: Uncertain significance for Malignant hyperthermia, susceptibility to, 1. Last evaluated: 2023-10-23. Review status: criteria provided, single submitter. Criteria: ACMG Guidelines, 2015. Collection method: clinical testing. Allele origin: germline.
Comment: This synonymous variant is located in the RYR1 gene. To our knowledge, functional studies have not been reported for this variant. This variant has not been reported in individuals affected with RYR1-related disorders in the literature. This variant has been identified in 3/249406 chromosomes in the general population by the Genome Aggregation Database (gnomAD). The available evidence is insufficient to determine the role of this variant in disease conclusively. Therefore, this variant is classified as a Variant of Uncertain Significance.

CeGaT Center for Human Genetics Tuebingen
Classification: Likely benign. Last evaluated: 2020-09-01. Review status: criteria provided, single submitter. Criteria: CeGaT Center For Human Genetics Tuebingen Variant Classification Criteria Version 2. Collection method: clinical testing. Allele origin: germline. Affected: yes. Observed: 3 variant alleles.

Literature cited by the submitters: DOI 10.1186/s13073-024-01353-0 (cited by Muscle and Diseases Team, Institut de Génétique et Biologie Moléculaire et Cellulaire).

NM_000540.3(RYR1):c.798C>T (p.Ile266=)

Gene: RYR1 (ryanodine receptor 1; plus strand). Cytogenetic location: 19q13.2.
Variant type: single nucleotide variant.
Coding change: c.798C>T on transcript NM_000540.3 (MANE Select); coding-DNA position 798, C replaced by T.
Protein change: p.Ile266=; no amino-acid change (isoleucine 266 retained).
Molecular consequence: synonymous variant.
Genome position (GRCh38, 1-based): chr19:38,446,766, C>T. VCF-style: chr19-38446766-C-T. GRCh37 (hg19) VCF-style: chr19-38937406-C-T.
Other names: c.798C>T, p.Ile266= (NM_001042723.2).
Identifiers: ClinVar variation 808529 (VCV000808529.48), dbSNP rs764527957, ClinGen allele CA9415794.